The following is an entry in ClinVar:

ClinVar aggregate classification (germline): Uncertain significance. Review status: criteria provided, multiple submitters, no conflicts (2 of 4 stars). 3 submissions from 3 submitters: Uncertain significance (3). Last evaluated 2025-08-22.

Conditions:
Short stature due to primary acid-labile subunit deficiency. Also called: Acid-labile subunit deficiency; Acid-labile subunit, deficiency of. Identifiers: Orphanet 140941, MedGen C3900122, MONDO:0014420, OMIM 615961.

Allele frequency attached by ClinVar (database versions not stated): 1000 Genomes Project 30x 0.00031; 1000 Genomes Project 0.00040; gnomAD 0.00050 and 0.00053; ESP Exome Variant Server 0.00054; TOPMed 0.00061.
gnomAD v4.1: 633 of 1,594,126 alleles (0.04%); highest among the groups gnomAD compares: Middle Eastern, 0.087%; no homozygotes.

Submissions (3):

Women's Health and Genetics/Laboratory Corporation of America, LabCorp
Classification: Uncertain significance. Last evaluated: 2025-08-22. Review status: criteria provided, single submitter. Criteria: LabCorp Variant Classification Summary - May 2015. Collection method: clinical testing. Allele origin: germline.
Comment: Variant summary: IGFALS c.1478G>A (p.Arg493His) results in a non-conservative amino acid change in the encoded protein sequence. Algorithms developed to predict the effect of missense changes on protein structure and function are either unavailable or do not agree on the potential impact of this missense change. The variant allele was found at a frequency of 0.00038 in 219624 control chromosomes. This frequency is not significantly higher than estimated for disease-causing variants in IGFALS, allowing no conclusion about variant significance. c.1478G>A has been reported in the literature in one individual affected with idiopathic short stature (example: Domen_2013). These report(s) do not provide unequivocal conclusions about association of the variant with Short Stature Due To Primary Acid-Labile Subunit Deficiency. To our knowledge, no experimental evidence demonstrating an impact on protein function has been reported. The following publications have been ascertained in the context of this evaluation (PMID: 24335034, 26418010). ClinVar contains an entry for this variant (Variation ID: 318237). Based on the evidence outlined above, the variant was classified as uncertain significance.

Baylor Genetics
Classification: Uncertain significance for Short stature due to primary acid-labile subunit deficiency. Last evaluated: 2018-06-08. Review status: criteria provided, single submitter. Criteria: ACMG Guidelines, 2015. Collection method: clinical testing. Allele origin: paternal. Affected: yes.
Comment: This variant was determined to be of uncertain significance according to ACMG Guidelines, 2015 [PMID:25741868].

Illumina Laboratory Services, Illumina
Classification: Uncertain significance for Short stature due to primary acid-labile subunit deficiency. Last evaluated: 2018-01-13. Review status: criteria provided, single submitter. Criteria: ICSL Variant Classification Criteria 13 December 2019. Collection method: clinical testing. Allele origin: germline.

Literature cited by the submitters: PubMed 24335034 (cited by Women's Health and Genetics/Laboratory Corporation of America, LabCorp); PubMed 26418010 (cited by Women's Health and Genetics/Laboratory Corporation of America, LabCorp).

NM_004970.3(IGFALS):c.1478G>A (p.Arg493His)

Gene: IGFALS (insulin like growth factor binding protein acid labile subunit; minus strand). Cytogenetic location: 16p13.3.
Variant type: single nucleotide variant.
Coding change: c.1478G>A on transcript NM_004970.3 (MANE Select); coding-DNA position 1478, G replaced by A.
Protein change: p.Arg493His; replaces arginine 493 with histidine.
Molecular consequence: missense variant. On other transcripts: non-coding transcript variant (1).
Genome position (GRCh38, 1-based): chr16:1,790,940, C>T on the plus strand (G>A on the coding strand, the complement: IGFALS is on the minus strand). VCF-style: chr16-1790940-C-T. GRCh37 (hg19) VCF-style: chr16-1840941-C-T.
Other names: c.1592G>A, p.Arg531His (NM_001146006.2); short protein forms R493H, R531H.
Identifiers: ClinVar variation 318237 (VCV000318237.8), dbSNP rs200380381, ClinGen allele CA7820290.